The following is an entry in ClinVar:

ClinVar aggregate classification (germline): Uncertain significance (1 of 4 stars; one submission).

Conditions:
Kleefstra syndrome 2 (KLEFS2). Identifiers: MedGen C4540395, MONDO:0054701, OMIM 617768.

Submission:

Pittsburgh Clinical Genomics Laboratory, University of Pittsburgh Medical Center
Classification: Uncertain significance for Kleefstra syndrome 2. Last evaluated: 2023-11-24. Review status: criteria provided, single submitter. Criteria: ACMG Guidelines, 2015. Collection method: clinical testing. Allele origin: germline. Inheritance: Autosomal dominant inheritance. Affected: yes.
Comment: This sequence variant is a single nucleotide substitution (G>C) at position 28 of the coding sequence of the KMT2C gene that results in a glutamic acid to glutamine amino acid change at residue 10 of the lysine methyltransferase 2C protein. This variant is absent from ClinVar and the gnomAD v4 population database (0 of approximately 600,000 alleles). To our knowledge, this variant has not been observed in an individual affected by a KMT2C-related disorder in the published literature. Multiple bioinformatic tools provide conflicting predictions concerning this Glu to Gln amino acid change, and the Glu10 residue at this position is highly conserved across the vertebrate species examined. Studies examining the functional consequence of this variant have not been published, to our knowledge. At this time, there is insufficient evidence to determine if this variant is pathogenic or benign. Therefore, we consider this a variant of uncertain significance. ACMG Criteria: BP1, PM2

NM_170606.3(KMT2C):c.28G>C (p.Glu10Gln)

Gene: KMT2C (lysine methyltransferase 2C; minus strand). Cytogenetic location: 7q36.1.
Variant type: single nucleotide variant.
Coding change: c.28G>C on transcript NM_170606.3 (MANE Select); coding-DNA position 28, G replaced by C.
Protein change: p.Glu10Gln; replaces glutamic acid 10 with glutamine.
Molecular consequence: missense variant.
Genome position (GRCh38, 1-based): chr7:152,435,759, C>G on the plus strand (G>C on the coding strand, the complement: KMT2C is on the minus strand). VCF-style: chr7-152435759-C-G. GRCh37 (hg19) VCF-style: chr7-152132844-C-G.
Other names: short protein forms E10Q.
Identifiers: ClinVar variation 3376394 (VCV003376394.1).